The following is an entry in ClinVar:

NM_181552.4(CUX1):c.3825A>C (p.Glu1275Asp)

Gene: CUX1 (cut like homeobox 1; plus strand). Cytogenetic location: 7q22.1.
Variant type: single nucleotide variant.
Coding change: c.3825A>C on transcript NM_181552.4 (MANE Select); coding-DNA position 3825, A replaced by C.
Protein change: p.Glu1275Asp; replaces glutamic acid 1275 with aspartic acid.
Molecular consequence: missense variant. On other transcripts: intron variant (5).
Genome position (GRCh38, 1-based): chr7:102,239,522, A>C. VCF-style: chr7-102239522-A-C. GRCh37 (hg19) VCF-style: chr7-101882802-A-C.
Other names: c.3858A>C, p.Glu1286Asp (NM_001202543.2); c.1256-33844A>C (NM_001913.5); c.1250-33844A>C (NM_181500.4); c.1118-33844A>C (NM_001202545.3); c.1208-33844A>C (NM_001202544.3); c.1139-33844A>C (NM_001202546.3); short protein forms E1275D, E1286D.
Identifiers: ClinVar variation 2579845 (VCV002579845.1), dbSNP rs1799937648, ClinGen allele CA368665500.

ClinVar aggregate classification (germline): Uncertain significance (1 of 4 stars; one submission).

Allele frequency attached by ClinVar (database versions not stated): TOPMed below 0.00001.

Submission:

GeneDx
Classification: Uncertain significance. Last evaluated: 2023-02-09. Review status: criteria provided, single submitter. Criteria: GeneDx Variant Classification Process June 2021. Collection method: clinical testing. Allele origin: germline. Affected: yes.
Comment: Not observed at significant frequency in large population cohorts (gnomAD); In silico analysis supports that this missense variant does not alter protein structure/function; Has not been previously published as pathogenic or benign to our knowledge